The following is an entry in ClinVar:

ClinVar aggregate classification (germline): Likely benign (1 of 4 stars; one submission).

Allele frequency attached by ClinVar (database versions not stated): gnomAD 0.00003 and 0.00004; TOPMed 0.00003.
gnomAD v4.1: 4 of 111,340 alleles (0.0036%); highest among the groups gnomAD compares: African/African-American, 0.0065%; no homozygotes.

Submission:

GeneDx
Classification: Likely benign. Last evaluated: 2017-10-13. Review status: criteria provided, single submitter. Criteria: GeneDx Variant Classification (06012015). Collection method: clinical testing. Allele origin: germline. Affected: yes.
Comment: This variant is considered likely benign or benign based on one or more of the following criteria: it is a conservative change, it occurs at a poorly conserved position in the protein, it is predicted to be benign by multiple in silico algorithms, and/or has population frequency not consistent with disease.

NM_000531.6(OTC):c.540+264C>T

Gene: OTC (ornithine transcarbamylase; plus strand). Cytogenetic location: Xp11.4.
Variant type: single nucleotide variant.
Coding change: c.540+264C>T on transcript NM_000531.6 (MANE Select); 264 bases into the intron after coding-DNA position 540, C replaced by T.
Molecular consequence: intron variant.
Genome position (GRCh38, 1-based): chrX:38,401,692, C>T. VCF-style: chrX-38401692-C-T. GRCh37 (hg19) VCF-style: chrX-38260945-C-T.
Identifiers: ClinVar variation 512408 (VCV000512408.1), dbSNP rs997341002, ClinGen allele CA327943636.